The following is an entry in ClinVar:

ClinVar aggregate classification (germline): Uncertain significance (1 of 4 stars; one submission).

Conditions:
Hereditary cancer-predisposing syndrome. Also called: Hereditary neoplastic syndrome; Neoplastic Syndromes, Hereditary; Tumor predisposition; Hereditary Cancer Syndrome. Identifiers: Orphanet 140162, MedGen C0027672, MeSH D009386, MONDO:0015356.

Submission:

Ambry Genetics
Classification: Uncertain significance for Hereditary cancer-predisposing syndrome. Last evaluated: 2025-01-09. Review status: criteria provided, single submitter. Criteria: Ambry Variant Classification Scheme 2023. Collection method: clinical testing. Allele origin: germline.
Comment: The p.Y894S variant (also known as c.2681A>C), located in coding exon 13 of the BLM gene, results from an A to C substitution at nucleotide position 2681. The tyrosine at codon 894 is replaced by serine, an amino acid with dissimilar properties. This amino acid position is conserved. In addition, this alteration is predicted to be deleterious by in silico analysis. Based on the available evidence, the clinical significance of this variant remains unclear.

NM_000057.4(BLM):c.2681A>C (p.Tyr894Ser)

Gene: BLM (BLM RecQ like helicase; plus strand). Cytogenetic location: 15q26.1.
Variant type: single nucleotide variant.
Coding change: c.2681A>C on transcript NM_000057.4 (MANE Select); coding-DNA position 2681, A replaced by C.
Protein change: p.Tyr894Ser; replaces tyrosine 894 with serine.
Molecular consequence: missense variant.
Genome position (GRCh38, 1-based): chr15:90,784,939, A>C. VCF-style: chr15-90784939-A-C. GRCh37 (hg19) VCF-style: chr15-91328169-A-C.
Other names: c.2681A>C, p.Tyr894Ser (NM_001287246.2, NM_001287247.2); c.1556A>C, p.Tyr519Ser (NM_001287248.2); short protein forms Y894S, Y519S.
Identifiers: ClinVar variation 3824449 (VCV003824449.1).